The following is an entry in ClinVar:

ClinVar aggregate classification (germline): Conflicting classifications of pathogenicity. Review status: criteria provided, conflicting classifications (1 of 4 stars). 3 submissions from 3 submitters: Uncertain significance (2); Likely benign (1). Last evaluated 2026-06-01.

Conditions:
6-Pyruvoyl-tetrahydrobiopterin synthase deficiency. Also called: Hyperphenylalanemia, BH4-deficient, A; Hyperphenylalaninemia due to 6-pyruvoyl-tetrahydropterin synthase deficiency; BH4-deficient hyperphenylalaninemia A; 6-Pyruvoyltetrahydropterin Synthase Deficiency; PTS DEFICIENCY; HYPERPHENYLALANINEMIA, TETRAHYDROBIOPTERIN-DEFICIENT, DUE TO PTS DEFICIENCY. Identifiers: Orphanet 13, Orphanet 238583, MedGen C0878676, MONDO:0009863, OMIM 261640.

Allele frequency attached by ClinVar (database versions not stated): gnomAD exomes 0.00003; ExAC 0.00005; ESP Exome Variant Server 0.00008; gnomAD 0.00001; TOPMed 0.00001.
gnomAD v4.1: 48 of 1,613,432 alleles (0.003%); highest among the groups gnomAD compares: South Asian, 0.024%; no homozygotes.

Submissions (3):

CeGaT Center for Human Genetics Tuebingen
Classification: Uncertain significance. Last evaluated: 2026-06-01. Review status: criteria provided, single submitter. Criteria: CeGaT Center For Human Genetics Tuebingen Variant Classification Criteria Version 2. Collection method: clinical testing. Allele origin: germline. Affected: yes. Observed: 1 variant allele.
Comment: PTS: PM2:Supporting, PP3

Labcorp Genetics (formerly Invitae), Labcorp
Classification: Likely benign for 6-Pyruvoyl-tetrahydrobiopterin synthase deficiency. Last evaluated: 2025-11-09. Review status: criteria provided, single submitter. Criteria: Invitae Variant Classification Sherloc (09022015). Collection method: clinical testing. Allele origin: germline.

Women's Health and Genetics/Laboratory Corporation of America, LabCorp
Classification: Uncertain significance. Last evaluated: 2024-05-06. Review status: criteria provided, single submitter. Criteria: LabCorp Variant Classification Summary - May 2015. Collection method: clinical testing. Allele origin: germline.
Comment: Variant summary: PTS c.312G>A (p.Val104Val) alters a non-conserved nucleotide located close to a canonical splice site and therefore could affect mRNA splicing, leading to a significantly altered protein sequence. Consensus agreement among computation tools predict no significant impact on normal splicing. However, these predictions have yet to be confirmed by functional studies. The variant allele was found at a frequency of 3.2e-05 in 251294 control chromosomes. The available data on variant occurrences in the general population are insufficient to allow any conclusion about variant significance. To our knowledge, no occurrence of c.312G>A in individuals affected with 6-Pyruvoyl-Tetrahydropterin Synthase Deficiency and no experimental evidence demonstrating its impact on protein function have been reported. ClinVar contains an entry for this variant (Variation ID: 1144715). Based on the evidence outlined above, the variant was classified as uncertain significance.

NM_000317.3(PTS):c.312G>A (p.Val104=)

Gene: PTS (6-pyruvoyltetrahydropterin synthase; plus strand). Cytogenetic location: 11q23.1.
Variant type: single nucleotide variant.
Coding change: c.312G>A on transcript NM_000317.3 (MANE Select); coding-DNA position 312, G replaced by A.
Protein change: p.Val104=; no amino-acid change (valine 104 retained).
Molecular consequence: synonymous variant.
Genome position (GRCh38, 1-based): chr11:112,233,231, G>A. VCF-style: chr11-112233231-G-A. GRCh37 (hg19) VCF-style: chr11-112103954-G-A.
Identifiers: ClinVar variation 1144715 (VCV001144715.12), dbSNP rs148185068, ClinGen allele CA6278565.